The following is an entry in ClinVar:

ClinVar aggregate classification (germline): Uncertain significance (1 of 4 stars; one submission).

Conditions:
Gingival disorder. Also called: Gingival disease. Identifiers: MedGen C0017563, MONDO:0002021.

Allele frequency attached by ClinVar (database versions not stated): gnomAD 0.00001; TOPMed 0.00001; gnomAD exomes 0.00002.

Submission:

Labcorp Genetics (formerly Invitae), Labcorp
Classification: Uncertain significance for Gingival disorder. Last evaluated: 2024-06-23. Review status: criteria provided, single submitter. Criteria: Invitae Variant Classification Sherloc (09022015). Collection method: clinical testing. Allele origin: germline.
Comment: This sequence change replaces valine, which is neutral and non-polar, with methionine, which is neutral and non-polar, at codon 285 of the FPR1 protein (p.Val285Met). This variant is present in population databases (no rsID available, gnomAD 0.003%). This variant has not been reported in the literature in individuals affected with FPR1-related conditions. An algorithm developed to predict the effect of missense changes on protein structure and function (PolyPhen-2) suggests that this variant is likely to be tolerated. In summary, the available evidence is currently insufficient to determine the role of this variant in disease. Therefore, it has been classified as a Variant of Uncertain Significance.

NM_002029.4(FPR1):c.853G>A (p.Val285Met)

Gene: FPR1 (formyl peptide receptor 1; minus strand). Cytogenetic location: 19q13.41.
Variant type: single nucleotide variant.
Coding change: c.853G>A on transcript NM_002029.4 (MANE Select); coding-DNA position 853, G replaced by A.
Protein change: p.Val285Met; replaces valine 285 with methionine.
Molecular consequence: missense variant.
Genome position (GRCh38, 1-based): chr19:51,746,142, C>T on the plus strand (G>A on the coding strand, the complement: FPR1 is on the minus strand). VCF-style: chr19-51746142-C-T. GRCh37 (hg19) VCF-style: chr19-52249395-C-T.
Other names: c.853G>A, p.Val285Met (NM_001193306.2); short protein forms V285M.
Identifiers: ClinVar variation 2912940 (VCV002912940.3), dbSNP rs903155050, ClinGen allele CA309807887.